The following is an entry in ClinVar:

NM_005591.4(MRE11):c.963T>A (p.Phe321Leu)

Gene: MRE11 (MRE11 double strand break repair nuclease; minus strand). Cytogenetic location: 11q21.
Variant type: single nucleotide variant.
Coding change: c.963T>A on transcript NM_005591.4 (MANE Select); coding-DNA position 963, T replaced by A.
Protein change: p.Phe321Leu; replaces phenylalanine 321 with leucine.
Molecular consequence: missense variant.
Genome position (GRCh38, 1-based): chr11:94,470,525, A>T on the plus strand (T>A on the coding strand, the complement: MRE11 is on the minus strand). VCF-style: chr11-94470525-A-T. GRCh37 (hg19) VCF-style: chr11-94203691-A-T.
Other names: c.963T>A, p.Phe321Leu (NM_001330347.2, NM_005590.4); short protein forms F321L.
Identifiers: ClinVar variation 1799581 (VCV001799581.2), dbSNP rs2496482991, ClinGen allele CA382374306.
Genomic context (GRCh38, chr11:94,470,525, plus strand): 5'-AATTACCTTCTCCAAACAGAAGCTTTGTATGGCTTGGGTTACTTTAGGATTATCTGGGTT[A>T]AAAATGTCTGGATGATTAGCTAGAACAATATCCTCCATGAAAAACTGCCGCACTGTGTGA-3'
Protein context (NP_005582.1, residues 311-331): DIVLANHPDI[Phe321Leu]NPDNPKVTQA

ClinVar aggregate classification (germline): Uncertain significance (1 of 4 stars; one submission).

Conditions:
Hereditary cancer-predisposing syndrome. Also called: Neoplastic Syndromes, Hereditary; Tumor predisposition; Hereditary Cancer Syndrome; Hereditary neoplastic syndrome. Identifiers: Orphanet 140162, MedGen C0027672, MeSH D009386, MONDO:0015356.

Submission:

Ambry Genetics
Classification: Uncertain significance for Hereditary cancer-predisposing syndrome. Last evaluated: 2023-12-04. Review status: criteria provided, single submitter. Criteria: Ambry Variant Classification Scheme 2023. Collection method: clinical testing. Allele origin: germline.
Comment: The p.F321L variant (also known as c.963T>A), located in coding exon 8 of the MRE11A gene, results from a T to A substitution at nucleotide position 963. The phenylalanine at codon 321 is replaced by leucine, an amino acid with highly similar properties. This amino acid position is highly conserved in available vertebrate species. In addition, the in silico prediction for this alteration is inconclusive. Since supporting evidence is limited at this time, the clinical significance of this alteration remains unclear.